The following is an entry in ClinVar:

NM_001374828.1(ARID1B):c.7048A>G (p.Ile2350Val)

Gene: ARID1B (AT-rich interaction domain 1B; plus strand). Cytogenetic location: 6q25.3.
Variant type: single nucleotide variant.
Coding change: c.7048A>G on transcript NM_001374828.1 (MANE Select); coding-DNA position 7048, A replaced by G.
Protein change: p.Ile2350Val; replaces isoleucine 2350 with valine.
Molecular consequence: missense variant.
Genome position (GRCh38, 1-based): chr6:157,207,820, A>G. VCF-style: chr6-157207820-A-G. GRCh37 (hg19) VCF-style: chr6-157528954-A-G.
Other names: c.6799A>G, p.Ile2267Val (NM_001346813.1); c.4549A>G, p.Ile1517Val (NM_001363725.2); c.6928A>G, p.Ile2310Val (NM_001371656.1, NM_001374820.1); c.6889A>G, p.Ile2297Val (NM_017519.3); c.6679A>G, p.Ile2227Val (NM_020732.3); c.6466A>G, p.Ile2156Val (NM_175863.2); short protein forms I1517V, I2227V, I2156V, I2267V, I2310V, I2350V, I2297V.
Identifiers: ClinVar variation 1974924 (VCV001974924.5), dbSNP rs748269099, ClinGen allele CA4068097.

ClinVar aggregate classification (germline): Uncertain significance (1 of 4 stars; one submission).

Allele frequency attached by ClinVar (database versions not stated): gnomAD exomes below 0.00001; ExAC 0.00001.
gnomAD v4.1: 2 of 1,539,998 alleles (0.00013%); highest among the groups gnomAD compares: South Asian, 0.0013%; no homozygotes.

Submission:

Labcorp Genetics (formerly Invitae), Labcorp
Classification: Uncertain significance. Last evaluated: 2022-08-09. Review status: criteria provided, single submitter. Criteria: Invitae Variant Classification Sherloc (09022015). Collection method: clinical testing. Allele origin: germline.
Comment: Algorithms developed to predict the effect of missense changes on protein structure and function (SIFT, PolyPhen-2, Align-GVGD) all suggest that this variant is likely to be disruptive. In summary, the available evidence is currently insufficient to determine the role of this variant in disease. Therefore, it has been classified as a Variant of Uncertain Significance. Algorithms developed to predict the effect of sequence changes on RNA splicing suggest that this variant may create or strengthen a splice site. This variant has not been reported in the literature in individuals affected with ARID1B-related conditions. The frequency data for this variant in the population databases is considered unreliable, as metrics indicate poor data quality at this position in the gnomAD database. This sequence change replaces isoleucine, which is neutral and non-polar, with valine, which is neutral and non-polar, at codon 2227 of the ARID1B protein (p.Ile2227Val).